The following is an entry in ClinVar:

ClinVar aggregate classification (germline): Pathogenic/Likely pathogenic. Review status: criteria provided, multiple submitters, no conflicts (2 of 4 stars). 3 submissions from 3 submitters: Pathogenic (2); Likely pathogenic (1). Last evaluated 2025-08-10.

Conditions:
Arthrogryposis multiplex congenita 6. Identifiers: MedGen C5543431, MONDO:0030281, OMIM 619334.
Nemaline myopathy 2 (NEM2). Also called: Nemaline myopathy 2, autosomal recessive. Identifiers: MedGen C1850569, MONDO:0009725, OMIM 256030.

Submissions (3):

Myriad Genetics, Inc.
Classification: Pathogenic for Nemaline myopathy 2. Last evaluated: 2025-08-10. Review status: criteria provided, single submitter. Criteria: Myriad Autosomal Dominant, Autosomal Recessive and X-Linked Classification Criteria (2023). Collection method: clinical testing. Allele origin: unknown.
Comment: NM_001271208.1(NEB):c.22897_22898delCA(Q7633Efs*10) is expected to be pathogenic in the context of NEB-related nemaline myopathy. This variant is predicted to lead to an abnormal or absent protein product due to the creation of a premature termination codon in NEB, a gene where loss-of-function variants are known to be pathogenic. Please note: this variant was assessed in the context of healthy population screening.

Baylor Genetics
Classification: Likely pathogenic for Arthrogryposis multiplex congenita 6. Last evaluated: 2023-09-25. Review status: criteria provided, single submitter. Criteria: ACMG Guidelines, 2015. Collection method: clinical testing. Allele origin: unknown.

Labcorp Genetics (formerly Invitae), Labcorp
Classification: Pathogenic for Nemaline myopathy 2. Last evaluated: 2023-07-16. Review status: criteria provided, single submitter. Criteria: Invitae Variant Classification Sherloc (09022015). Collection method: clinical testing. Allele origin: germline.
Comment: This sequence change creates a premature translational stop signal (p.Gln7633Glufs*10) in the NEB gene. It is expected to result in an absent or disrupted protein product. Loss-of-function variants in NEB are known to be pathogenic (PMID: 25205138). For these reasons, this variant has been classified as Pathogenic. This variant has not been reported in the literature in individuals affected with NEB-related conditions. This variant is not present in population databases (gnomAD no frequency).

Literature cited by the submitters: PubMed 25205138 (cited by Labcorp Genetics (formerly Invitae), Labcorp).

NM_001164508.2(NEB):c.22792_22793del (p.Gln7598fs)

Genes: NEB (nebulin; minus strand), RIF1 (replication timing regulatory factor 1; plus strand). Cytogenetic location: 2q23.3.
Variant type: Deletion.
Coding change: c.22792_22793del on transcript NM_001164508.2 (MANE Select); coding-DNA positions 22792 to 22793, 2 bases deleted (CA; older notation c.22792_22793delCA).
Protein change: p.Gln7598fs; shifts the reading frame from glutamine 7598.
Molecular consequence: frameshift variant.
Genome position (GRCh38, 1-based): chr2:151,518,325-151,518,326, TG deleted on the plus strand (CA on the coding strand, the reverse complement: NEB is on the minus strand); deleting any 2 consecutive bases within chr2:151,518,325-151,518,327 gives the same sequence; the c. name uses the placement nearest the transcript's 3' end. VCF-style (leftmost placement, unchanged base first): chr2-151518324-CTG-C. GRCh37 (hg19) VCF-style: chr2-152374838-CTG-C.
Other names: c.22897_22898del (NM_001271208.1); c.22792_22793del, p.Gln7598fs (NM_001164507.2); c.22896_22897delAC, p.Gln7633Glufs (NM_001271208.1); c.22897_22898del, p.Gln7633fs (NM_001271208.2); c.17689_17690del, p.Gln5897fs (NM_004543.5); short protein forms Q5897fs, Q7598fs, Q7633fs.
Identifiers: ClinVar variation 2677031 (VCV002677031.5), dbSNP rs2552089283, ClinGen allele CA2661453629.